The following is an entry in ClinVar:

NM_020719.3(PRR12):c.5228AGAAGG[1] (p.1739EK[3])

Gene: PRR12 (proline rich 12; plus strand). Cytogenetic location: 19q13.33.
Variant type: Microsatellite.
Coding change: c.5228AGAAGG[1] on transcript NM_020719.3 (MANE Select); one copy of the 6-base unit AGAAGG starting at c.5228; the reference has two copies in a row; one copy, 6 bases deleted.
Protein change: p.1739EK[3].
Genome position (GRCh38, 1-based): chr19:49,615,956-49,615,961, AGAAGG deleted; deleting any 6 consecutive bases within chr19:49,615,946-49,615,961 gives the same sequence; the position shown is the placement nearest the transcript's 3' end. VCF-style (leftmost placement, unchanged base first): chr19-49615945-AAAGGAG-A. GRCh37 (hg19) VCF-style: chr19-50119202-AAAGGAG-A.
Identifiers: ClinVar variation 3036885 (VCV003036885.2), dbSNP rs759280945, ClinGen allele CA9578651.

ClinVar aggregate classification (germline): Likely benign (0 of 4 stars; one submission).

Conditions:
PRR12-related disorder. Also called: PRR12-related condition.

Submission:

PreventionGenetics, part of Exact Sciences
Classification: Likely benign for PRR12-related condition. Last evaluated: 2024-02-16. Review status: no assertion criteria provided. Collection method: clinical testing. Allele origin: germline.
Comment: This variant is classified as likely benign based on ACMG/AMP sequence variant interpretation guidelines (Richards et al. 2015 PMID: 25741868, with internal and published modifications).